The following is an entry in ClinVar:

NM_001042517.2(DIAPH3):c.1651-7T>C

Gene: DIAPH3 (diaphanous related formin 3; minus strand). Cytogenetic location: 13q21.2.
Variant type: single nucleotide variant.
Coding change: c.1651-7T>C on transcript NM_001042517.2 (MANE Select); 7 bases into the intron before coding-DNA position 1651, T replaced by C.
Molecular consequence: intron variant.
Genome position (GRCh38, 1-based): chr13:59,971,167, A>G on the plus strand (T>C on the coding strand, the complement: DIAPH3 is on the minus strand). VCF-style: chr13-59971167-A-G. GRCh37 (hg19) VCF-style: chr13-60545301-A-G.
Other names: c.1651-7T>C (NM_001042517.1, NM_001258369.2); c.1441-7T>C (NM_001258368.2); c.1513-7T>C (NM_001258367.2); c.1618-7T>C (NM_001258366.2); c.862-7T>C (NM_030932.4, NM_001258370.2).
Identifiers: ClinVar variation 1201324 (VCV001201324.9), dbSNP rs201050280, ClinGen allele CA6996606.

ClinVar aggregate classification (germline): Benign/Likely benign. Review status: criteria provided, multiple submitters, no conflicts (2 of 4 stars). 3 submissions from 3 submitters: Benign (1); Likely benign (2). Last evaluated 2025-07-23.

Conditions:
DIAPH3-related disorder. Also called: DIAPH3-related condition.

Allele frequency attached by ClinVar (database versions not stated): gnomAD 0.00009 and 0.00011; gnomAD exomes 0.00009 and 0.00041; 1000 Genomes Project 30x 0.00016; 1000 Genomes Project 0.00020; ExAC 0.00020; TOPMed 0.00021.
gnomAD v4.1: 151 of 1,562,516 alleles (0.0097%); highest among the groups gnomAD compares: East Asian, 0.3%; no homozygotes.

Submissions (3):

PreventionGenetics, part of Exact Sciences
Classification: Likely benign for DIAPH3-related condition. Last evaluated: 2025-07-23. Review status: criteria provided, single submitter. Criteria: ACMG Guidelines, 2015. Collection method: clinical testing. Allele origin: germline.
Comment: This variant is classified as likely benign based on ACMG/AMP sequence variant interpretation guidelines (Richards et al. 2015 PMID: 25741868, with internal and published modifications).

Labcorp Genetics (formerly Invitae), Labcorp
Classification: Benign. Last evaluated: 2025-01-10. Review status: criteria provided, single submitter. Criteria: Invitae Variant Classification Sherloc (09022015). Collection method: clinical testing. Allele origin: germline.

GeneDx
Classification: Likely benign. Last evaluated: 2021-02-23. Review status: criteria provided, single submitter. Criteria: GeneDx Variant Classification Process June 2021. Collection method: clinical testing. Allele origin: germline. Affected: yes.